The following is an entry in ClinVar:

NM_001351169.2(NT5C2):c.226del (p.Arg76fs)

Gene: NT5C2 (5'-nucleotidase, cytosolic II; minus strand). Cytogenetic location: 10q24.33.
Variant type: Deletion.
Coding change: c.226del on transcript NM_001351169.2 (MANE Select); coding-DNA position 226, one base deleted (A; older notation c.226delA).
Protein change: p.Arg76fs; shifts the reading frame from arginine 76.
Molecular consequence: frameshift variant. On other transcripts: 5 prime UTR variant (22).
Genome position (GRCh38, 1-based): chr10:103,106,656, T deleted on the plus strand (A on the coding strand, the reverse complement: NT5C2 is on the minus strand). VCF-style (leftmost placement, unchanged base first): chr10-103106655-CT-C. GRCh37 (hg19) VCF-style: chr10-104866412-CT-C.
Other names: c.226del, p.Arg76fs (NM_001134373.3, NM_001351170.2, NM_001351171.2 and 3 more transcripts); c.-540del (NM_001351179.2, NM_001351180.2, NM_001351182.2 and 3 more transcripts); c.-256del (NM_001351181.2, NM_001351191.1); c.-348del (NM_001351183.2, NM_001351192.1, NM_001351197.2 and 2 more transcripts); c.-561del (NM_001351185.2); c.-564del (NM_001351186.2); c.-585del (NM_001351187.2); c.-433del (NM_001351190.2); and 5 more; short protein forms R76fs, R47fs, R45fs.
Identifiers: ClinVar variation 2729444 (VCV002729444.3), dbSNP rs2494889270, ClinGen allele CA2697558740.

ClinVar aggregate classification (germline): Pathogenic (1 of 4 stars; one submission).

Conditions:
Hereditary spastic paraplegia 45. Also called: SPASTIC PARAPLEGIA 45; Spastic paraplegia 45, autosomal recessive. Identifiers: Orphanet 320396, MedGen C3888209, MONDO:0013165, OMIM 613162.

Submission:

Labcorp Genetics (formerly Invitae), Labcorp
Classification: Pathogenic for Hereditary spastic paraplegia 45. Last evaluated: 2023-08-27. Review status: criteria provided, single submitter. Criteria: Invitae Variant Classification Sherloc (09022015). Collection method: clinical testing. Allele origin: germline.
Comment: For these reasons, this variant has been classified as Pathogenic. This variant has not been reported in the literature in individuals affected with NT5C2-related conditions. This variant is not present in population databases (gnomAD no frequency). This sequence change creates a premature translational stop signal (p.Arg76Aspfs*2) in the NT5C2 gene. It is expected to result in an absent or disrupted protein product. Loss-of-function variants in NT5C2 are known to be pathogenic (PMID: 24482476).

Literature cited by the submitters: PubMed 24482476.